The following is an entry in ClinVar:

ClinVar aggregate classification (germline): Uncertain significance (0 of 4 stars; one submission).

Conditions:
REST-related disorder. Also called: REST-related condition.

gnomAD v4.1: 2 of 1,614,206 alleles (0.00012%); highest among the groups gnomAD compares: African/African-American, 0.0027%; no homozygotes.

Submission:

PreventionGenetics, part of Exact Sciences
Classification: Uncertain significance for REST-related condition. Last evaluated: 2024-08-11. Review status: no assertion criteria provided. Collection method: clinical testing. Allele origin: germline.
Comment: The REST c.278T>C variant is predicted to result in the amino acid substitution p.Leu93Pro. To our knowledge, this variant has not been reported in the literature. This variant is reported in 0.0062% of alleles in individuals of African descent in gnomAD. At this time, the clinical significance of this variant is uncertain due to the absence of conclusive functional and genetic evidence.

NM_005612.5(REST):c.278T>C (p.Leu93Pro)

Gene: REST (RE1 silencing transcription factor; plus strand). Cytogenetic location: 4q12.
Variant type: single nucleotide variant.
Coding change: c.278T>C on transcript NM_005612.5 (MANE Select); coding-DNA position 278, T replaced by C.
Protein change: p.Leu93Pro; replaces leucine 93 with proline.
Molecular consequence: missense variant.
Genome position (GRCh38, 1-based): chr4:56,910,916, T>C. VCF-style: chr4-56910916-T-C. GRCh37 (hg19) VCF-style: chr4-57777082-T-C.
Other names: c.278T>C, p.Leu93Pro (NM_001193508.2, NM_001363453.3); short protein forms L93P.
Identifiers: ClinVar variation 3353575 (VCV003353575.1).